The following is an entry in ClinVar:

NM_002485.5(NBN):c.520_521insT (p.Pro174fs)

Gene: NBN (nibrin; minus strand). Cytogenetic location: 8q21.3.
Variant type: Insertion.
Coding change: c.520_521insT on transcript NM_002485.5 (MANE Select); coding-DNA positions 520 to 521, T inserted.
Protein change: p.Pro174fs; shifts the reading frame from proline 174.
Molecular consequence: frameshift variant.
Genome position: GRCh38 VCF-style: chr8-89978283-G-GA. GRCh37 (hg19) VCF-style: chr8-90990511-G-GA.
Other names: c.274_275insT, p.Pro92fs (NM_001024688.3); short protein forms P174fs, P92fs.
Identifiers: ClinVar variation 1070710 (VCV001070710.7), dbSNP rs2129889298, ClinGen allele CA2499219438.

ClinVar aggregate classification (germline): Pathogenic (1 of 4 stars; one submission).

Conditions:
Microcephaly, normal intelligence and immunodeficiency (NBS). Also called: Microcephaly with normal intelligence immunodeficiency and lymphoreticular malignancies; Nonsyndromal microcephaly autosomal recessive with normal intelligence; Seemanova syndrome 2; SEEMANOVA SYNDROME II; BERLIN BREAKAGE SYNDROME; Immunodeficiency, microcephaly with normal intelligence. Identifiers: Orphanet 647, MedGen C0398791, MONDO:0009623, OMIM 251260.

Submission:

Labcorp Genetics (formerly Invitae), Labcorp
Classification: Pathogenic for Microcephaly, normal intelligence and immunodeficiency. Last evaluated: 2021-09-29. Review status: criteria provided, single submitter. Criteria: Invitae Variant Classification Sherloc (09022015). Collection method: clinical testing. Allele origin: germline.
Comment: This sequence change creates a premature translational stop signal (p.Pro174Leufs*6) in the NBN gene. It is expected to result in an absent or disrupted protein product. Loss-of-function variants in NBN are known to be pathogenic (PMID: 9590180, 16415040). This variant is not present in population databases (ExAC no frequency). This variant has not been reported in the literature in individuals with NBN-related conditions. For these reasons, this variant has been classified as Pathogenic.

Literature cited by the submitters: PubMed 9590180; PubMed 16415040.